The following is an entry in ClinVar:

ClinVar aggregate classification (germline): Uncertain significance (1 of 4 stars; one submission).

Conditions:
Hereditary cancer-predisposing syndrome. Also called: Neoplastic Syndromes, Hereditary; Tumor predisposition; Hereditary Cancer Syndrome; Hereditary neoplastic syndrome. Identifiers: Orphanet 140162, MedGen C0027672, MeSH D009386, MONDO:0015356.

Submission:

Ambry Genetics
Classification: Uncertain significance for Hereditary cancer-predisposing syndrome. Last evaluated: 2025-06-28. Review status: criteria provided, single submitter. Criteria: Ambry Variant Classification Scheme 2023. Collection method: clinical testing. Allele origin: germline.
Comment: The p.Q200H variant (also known as c.600G>C), located in coding exon 3 of the XRCC2 gene, results from a G to C substitution at nucleotide position 600. The glutamine at codon 200 is replaced by histidine, an amino acid with highly similar properties. This amino acid position is conserved. In addition, this alteration is predicted to be tolerated by in silico analysis. Based on the available evidence, the clinical significance of this variant remains unclear.

NM_005431.2(XRCC2):c.600G>C (p.Gln200His)

Gene: XRCC2 (X-ray repair cross complementing 2; minus strand). Cytogenetic location: 7q36.1.
Variant type: single nucleotide variant.
Coding change: c.600G>C on transcript NM_005431.2 (MANE Select); coding-DNA position 600, G replaced by C.
Protein change: p.Gln200His; replaces glutamine 200 with histidine.
Molecular consequence: missense variant.
Genome position (GRCh38, 1-based): chr7:152,648,885, C>G on the plus strand (G>C on the coding strand, the complement: XRCC2 is on the minus strand). VCF-style: chr7-152648885-C-G. GRCh37 (hg19) VCF-style: chr7-152345970-C-G.
Other names: short protein forms Q200H.
Identifiers: ClinVar variation 4202860 (VCV004202860.1).